The following is an entry in ClinVar:

NM_001563.4(IMPG1):c.646G>A (p.Asp216Asn)

Gene: IMPG1 (interphotoreceptor matrix proteoglycan 1; minus strand). Cytogenetic location: 6q14.1.
Variant type: single nucleotide variant.
Coding change: c.646G>A on transcript NM_001563.4 (MANE Select); coding-DNA position 646, G replaced by A.
Protein change: p.Asp216Asn; replaces aspartic acid 216 with asparagine.
Molecular consequence: missense variant.
Genome position (GRCh38, 1-based): chr6:76,022,136, C>T on the plus strand (G>A on the coding strand, the complement: IMPG1 is on the minus strand). VCF-style: chr6-76022136-C-T. GRCh37 (hg19) VCF-style: chr6-76731853-C-T.
Other names: c.412G>A, p.Asp138Asn (NM_001282368.2); c.646G>A (NM_001563.3); short protein forms D138N, D216N.
Identifiers: ClinVar variation 1092413 (VCV001092413.11), dbSNP rs145167884, ClinGen allele CA3898407.

ClinVar aggregate classification (germline): Likely benign. Review status: criteria provided, multiple submitters, no conflicts (2 of 4 stars). 3 submissions from 3 submitters: Likely benign (2). 1 of the submissions does not count toward it. Last evaluated 2025-10-26.

Conditions:
IMPG1-related disorder. Also called: IMPG1-related condition.

Allele frequency attached by ClinVar (database versions not stated): ExAC 0.00021; 1000 Genomes Project 0.00040; 1000 Genomes Project 30x 0.00047; ESP Exome Variant Server 0.00069; gnomAD 0.00069 and 0.00071; TOPMed 0.00075.
gnomAD v4.1: 198 of 1,586,406 alleles (0.012%); highest among the groups gnomAD compares: African/African-American, 0.2%; no homozygotes.

Submissions (3):

Labcorp Genetics (formerly Invitae), Labcorp
Classification: Likely benign. Last evaluated: 2025-10-26. Review status: criteria provided, single submitter. Criteria: Invitae Variant Classification Sherloc (09022015). Collection method: clinical testing. Allele origin: germline.

Blueprint Genetics
Classification: Likely benign. Last evaluated: 2024-02-12. Review status: criteria provided, single submitter. Criteria: ACMG Guidelines, 2015. Collection method: clinical testing. Allele origin: germline.

PreventionGenetics, part of Exact Sciences
Classification: Likely benign for IMPG1-related condition. Last evaluated: 2024-08-13. Review status: no assertion criteria provided. Collection method: clinical testing. Allele origin: germline. Not counted in ClinVar's aggregate classification.
Comment: This variant is classified as likely benign based on ACMG/AMP sequence variant interpretation guidelines (Richards et al. 2015 PMID: 25741868, with internal and published modifications).